The following is an entry in ClinVar:

NM_002202.3(ISL1):c.479-4G>T

Gene: ISL1 (ISL LIM homeobox 1; plus strand). Cytogenetic location: 5q11.1.
Variant type: single nucleotide variant.
Coding change: c.479-4G>T on transcript NM_002202.3 (MANE Select); 4 bases into the intron before coding-DNA position 479, G replaced by T.
Molecular consequence: intron variant.
Genome position (GRCh38, 1-based): chr5:51,389,642, G>T. VCF-style: chr5-51389642-G-T. GRCh37 (hg19) VCF-style: chr5-50685476-G-T.
Identifiers: ClinVar variation 4984266 (VCV004984266.1).
Genomic context (GRCh38, chr5:51,389,642, plus strand): 5'-CGACCGCGGGCGGGCCGGCAAGCGAGCCTCCAGCCCAGCGCTCACGGCGCTCCTTGCCCC[G>T]CAGCGGAGCCCATCTCCGCCAGGCAGCCAGCCCTGCGGCCCCACGTCCACAAGCAGCCGG-3'

ClinVar aggregate classification (germline): Uncertain significance (1 of 4 stars; one submission).

Conditions:
ISL1-related disorder. Also called: ISL1-related condition.

gnomAD v4.1: 2 of 1,606,092 alleles (0.00012%); highest among the groups gnomAD compares: Middle Eastern, 0.022%; no homozygotes.

Submission:

PreventionGenetics, part of Exact Sciences
Classification: Uncertain significance for ISL1-related condition. Last evaluated: 2025-06-20. Review status: criteria provided, single submitter. Criteria: ACMG Guidelines, 2015. Collection method: clinical testing. Allele origin: germline.
Comment: The ISL1 c.479-4G>T variant is predicted to interfere with splicing. To our knowledge, this variant has not been reported in the literature or in a large population database (gnomAD), indicating this variant is rare. Although we suspect that this variant may be benign, at this time, the clinical significance of this variant is uncertain due to the absence of conclusive functional and genetic evidence.